The following is an entry in ClinVar:

NC_000015.10:g.84817240C>A

Gene: ALPK3 (alpha kinase 3; plus strand). Cytogenetic location: 15q25.3.
Variant type: single nucleotide variant.
Genome position: GRCh38 VCF-style: chr15-84817240-C-A. GRCh37 (hg19) VCF-style: chr15-85360471-C-A.
Identifiers: ClinVar variation 4696708 (VCV004696708.1).

ClinVar aggregate classification (germline): Uncertain significance (1 of 4 stars; one submission).

Submission:

Labcorp Genetics (formerly Invitae), Labcorp
Classification: Uncertain significance. Last evaluated: 2025-10-22. Review status: criteria provided, single submitter. Criteria: Invitae Variant Classification Sherloc (09022015). Collection method: clinical testing. Allele origin: germline.
Comment: This sequence change replaces proline, which is neutral and non-polar, with threonine, which is neutral and polar, at codon 132 of the ALPK3 protein (p.Pro132Thr). This variant is not present in population databases (gnomAD no frequency). This variant has not been reported in the literature in individuals affected with ALPK3-related conditions. An algorithm developed to predict the effect of missense changes on protein structure and function outputs the following: PolyPhen-2: "Possibly Damaging". The threonine amino acid residue is found in multiple mammalian species, which suggests that this missense change does not adversely affect protein function. In summary, the available evidence is currently insufficient to determine the role of this variant in disease. Therefore, it has been classified as a Variant of Uncertain Significance.